The following is an entry in ClinVar:

NM_144643.4(SCLT1):c.1276GAA[2] (p.Glu428del)

Gene: SCLT1 (sodium channel and clathrin linker 1; minus strand). Cytogenetic location: 4q28.2.
Variant type: Microsatellite.
Coding change: c.1276GAA[2] on transcript NM_144643.4 (MANE Select); two copies in a row of the 3-base unit GAA starting at c.1276; the reference has three copies in a row; one copy, 3 bases deleted.
Protein change: p.Glu428del; deletes glutamic acid 428.
Genome position (GRCh38, 1-based): chr4:128,948,505-128,948,507, TTC deleted on the plus strand (GAA on the coding strand, the reverse complement: SCLT1 is on the minus strand); deleting any 3 consecutive bases within chr4:128,948,505-128,948,513 gives the same sequence; the position shown is the placement nearest the transcript's 3' end. VCF-style (leftmost placement, unchanged base first): chr4-128948504-GTTC-G. GRCh37 (hg19) VCF-style: chr4-129869659-GTTC-G.
Other names: c.1276GAA[2], p.Glu428del (NM_001410807.1); short protein forms E428del.
Identifiers: ClinVar variation 3544481 (VCV003544481.1).

ClinVar aggregate classification (germline): Uncertain significance (1 of 4 stars; one submission).

Conditions:
Cone-rod dystrophy. Also called: Cone-rod degeneration; Cone/cone-rod dystrophy. Identifiers: Orphanet 1872, MedGen C4085590, MONDO:0015993, HP:0000548.

Submission:

Lab De Baere, Eye and Developmental Genetics Lab, Ghent University
Classification: Uncertain significance for Cone-rod dystrophy. Last evaluated: 2024-10-01. Review status: criteria provided, single submitter. Criteria: ACMG Guidelines, 2015. Collection method: research. Allele origin: inherited. Affected: yes. Observed: 1 variant allele.
Comment: ACMG/AMP guidelines: PM2, BP3, PM3_PP